The following is an entry in ClinVar:

ClinVar aggregate classification (germline): Uncertain significance (1 of 4 stars; one submission).

Conditions:
Joubert syndrome. Also called: CEREBELLOPARENCHYMAL DISORDER IV; JOUBERT-BOLTSHAUSER SYNDROME; Familial aplasia of the vermis. Identifiers: Orphanet 475, MedGen C5979921, MONDO:0018772.

Submission:

Labcorp Genetics (formerly Invitae), Labcorp
Classification: Uncertain significance for Joubert syndrome. Last evaluated: 2022-03-10. Review status: criteria provided, single submitter. Criteria: Invitae Variant Classification Sherloc (09022015). Collection method: clinical testing. Allele origin: germline.
Comment: This sequence change replaces leucine, which is neutral and non-polar, with valine, which is neutral and non-polar, at codon 89 of the TMEM216 protein (p.Leu89Val). Information on the frequency of this variant in the gnomAD database is not available, as this variant may be reported differently in the database. This variant has not been reported in the literature in individuals affected with TMEM216-related conditions. Experimental studies and prediction algorithms are not available or were not evaluated, and the functional significance of this variant is currently unknown. Algorithms developed to predict the effect of sequence changes on RNA splicing suggest that this variant may create or strengthen a splice site. In summary, the available evidence is currently insufficient to determine the role of this variant in disease. Therefore, it has been classified as a Variant of Uncertain Significance.

NM_001173990.3(TMEM216):c.264_265delinsAG (p.Leu89Val)

Gene: TMEM216 (transmembrane protein 216; plus strand). Cytogenetic location: 11q12.2.
Variant type: Indel.
Coding change: c.264_265delinsAG on transcript NM_001173990.3 (MANE Select); coding-DNA positions 264 to 265, GC replaced by AG.
Protein change: p.Leu89Val; replaces leucine 89 with valine.
Molecular consequence: missense variant.
Genome position (GRCh38, 1-based): chr11:61,397,808-61,397,809, GC replaced by AG. VCF-style: chr11-61397808-GC-AG. GRCh37 (hg19) VCF-style: chr11-61165280-GC-AG.
Other names: c.264_265delinsAG, p.Leu89Val (NM_001173991.3); c.81_82delinsAG, p.Leu28Val (NM_001330285.2, NM_016499.6); short protein forms L28V, L89V.
Identifiers: ClinVar variation 1415148 (VCV001415148.5), dbSNP rs1858831429, ClinGen allele CA2573147250.
Genomic context (GRCh38, chr11:61,397,808, plus strand): 5'-ATGACTCCATGGGCTGTGTCTGACAGGTACAAAGGGAAACCTCTGCCAGCGAAAGATGCC[GC>AG]TCAGTATTAGCGTGGCCTTGACCTTCCCATCTGCCATGATGGCCTCCTATTACCTGCTGC-3'
Protein context (NP_001167461.1, residues 79-99): KGNLCQRKMP[Leu89Val]SISVALTFPS